The following is an entry in ClinVar:

ClinVar aggregate classification (germline): Benign/Likely benign. Review status: criteria provided, multiple submitters, no conflicts (2 of 4 stars). 3 submissions from 3 submitters: Benign (1); Likely benign (1). 1 of the submissions does not count toward it. Last evaluated 2026-02-01.

Conditions:
KMT2D-related disorder. Also called: KMT2D-Related Disorders.
Choanal atresia-athelia-hypothyroidism-delayed puberty-short stature syndrome (BCAHH). Also called: BRANCHIAL ARCH ABNORMALITIES, CHOANAL ATRESIA, ATHELIA, HEARING LOSS, AND HYPOTHYROIDISM SYNDROME. Identifiers: Orphanet 589856, MedGen C5680310, MONDO:0035651, OMIM 620186.
Kabuki syndrome 1 (KABUK1). Also called: KMT2D-Related Kabuki Syndrome. Identifiers: Orphanet 2322, MedGen CN030661, MONDO:0007843, OMIM 147920.
Kabuki syndrome. Also called: NIIKAWA-KUROKI SYNDROME; Kabuki make-up syndrome. Identifiers: Orphanet 2322, MedGen C0796004, MONDO:0016512.

Allele frequency attached by ClinVar (database versions not stated): gnomAD 0.00001; TOPMed 0.00001; gnomAD exomes 0.00002 and 0.00003; ExAC 0.00006.
gnomAD v4.1: 28 of 1,596,478 alleles (0.0018%); highest among the groups gnomAD compares: Non-Finnish European, 0.0024%; no homozygotes.

Submissions (3):

Labcorp Genetics (formerly Invitae), Labcorp
Classification: Benign for Kabuki syndrome. Last evaluated: 2026-02-01. Review status: criteria provided, single submitter. Criteria: Invitae Variant Classification Sherloc (09022015). Collection method: clinical testing. Allele origin: germline.

Fulgent Genetics
Classification: Likely benign for Kabuki syndrome 1; Choanal atresia-athelia-hypothyroidism-delayed puberty-short stature syndrome. Last evaluated: 2024-05-11. Review status: criteria provided, single submitter. Criteria: ACMG Guidelines, 2015. Collection method: clinical testing. Allele origin: germline.

PreventionGenetics, part of Exact Sciences
Classification: Likely benign for KMT2D-related condition. Last evaluated: 2023-12-28. Review status: no assertion criteria provided. Collection method: clinical testing. Allele origin: germline. Not counted in ClinVar's aggregate classification.
Comment: This variant is classified as likely benign based on ACMG/AMP sequence variant interpretation guidelines (Richards et al. 2015 PMID: 25741868, with internal and published modifications).

NM_003482.4(KMT2D):c.6769G>A (p.Val2257Met)

Gene: KMT2D (lysine methyltransferase 2D; minus strand). Cytogenetic location: 12q13.12.
Variant type: single nucleotide variant.
Coding change: c.6769G>A on transcript NM_003482.4 (MANE Select); coding-DNA position 6769, G replaced by A.
Protein change: p.Val2257Met; replaces valine 2257 with methionine.
Molecular consequence: missense variant.
Genome position (GRCh38, 1-based): chr12:49,041,001, C>T on the plus strand (G>A on the coding strand, the complement: KMT2D is on the minus strand). VCF-style: chr12-49041001-C-T. GRCh37 (hg19) VCF-style: chr12-49434784-C-T.
Other names: c.6769G>A (NM_003482.3); short protein forms V2257M.
Identifiers: ClinVar variation 1437086 (VCV001437086.10), dbSNP rs775131102, ClinGen allele CA6547183.